The following is an entry in ClinVar:

ClinVar aggregate classification (germline): Uncertain significance (1 of 4 stars; one submission).

Submission:

Laboratory for Molecular Medicine, Mass General Brigham Personalized Medicine
Classification: Uncertain significance. Last evaluated: 2015-06-10. Review status: criteria provided, single submitter. Criteria: LMM Criteria. Collection method: clinical testing. Allele origin: germline. Observed: 2 variant alleles.
Comment: It was absent from large population studies; however, it is listed in dbSNP with no frequency data (rs727503112). Aspartic acid (Asp) at position 913 is not conserved in evolutionarily distant species and the change to asparagine (Asn) is present in ferret, raising the possibility that this change may be tolerated. Additional computational prediction tools do not provide strong support for or against an impact to the protein. In summary, the clinical significance of the p .Asp913Asn variant is uncertain.

NM_001105206.3(LAMA4):c.2758G>A (p.Asp920Asn)

Genes: LAMA4 (laminin subunit alpha 4; minus strand), LOC126859766 (MED14-independent group 3 enhancer GRCh37_chr6:112462018-112463217; plus strand). Cytogenetic location: 6q21.
Variant type: single nucleotide variant.
Coding change: c.2758G>A on transcript NM_001105206.3 (MANE Select); coding-DNA position 2758, G replaced by A.
Protein change: p.Asp920Asn; replaces aspartic acid 920 with asparagine.
Molecular consequence: missense variant.
Genome position (GRCh38, 1-based): chr6:112,141,413, C>T on the plus strand (G>A on the coding strand, the complement: LAMA4 is on the minus strand). VCF-style: chr6-112141413-C-T. GRCh37 (hg19) VCF-style: chr6-112462615-C-T.
Other names: c.2737G>A, p.Asp913Asn (NM_001105207.3, NM_002290.5); short protein forms D913N, D920N.
Identifiers: ClinVar variation 163787 (VCV000163787.4), dbSNP rs727503112, ClinGen allele CA176500.